The following is an entry in ClinVar:

NM_000370.3(TTPA):c.-10G>A

Gene: TTPA (alpha tocopherol transfer protein; minus strand). Cytogenetic location: 8q12.3.
Variant type: single nucleotide variant.
Coding change: c.-10G>A on transcript NM_000370.3 (MANE Select); 10 bases upstream of the start codon, G replaced by A.
Molecular consequence: 5 prime UTR variant. On other transcripts: non-coding transcript variant (3).
Genome position (GRCh38, 1-based): chr8:63,086,031, C>T on the plus strand (G>A on the coding strand, the complement: TTPA is on the minus strand). VCF-style: chr8-63086031-C-T. GRCh37 (hg19) VCF-style: chr8-63998590-C-T.
Other names: c.-10G>A (NM_001413414.1, NM_001413415.1, NM_001413416.1 and 2 more transcripts).
Identifiers: ClinVar variation 3571936 (VCV003571936.1).

ClinVar aggregate classification (germline): Uncertain significance (1 of 4 stars; one submission).

gnomAD v4.1: 2 of 1,409,482 alleles (0.00014%); highest among the groups gnomAD compares: East Asian, 0.0031%; no homozygotes.

Submission:

Athena Diagnostics
Classification: Uncertain significance. Last evaluated: 2024-02-21. Review status: criteria provided, single submitter. Criteria: Athena Diagnostics Criteria. Collection method: clinical testing. Allele origin: unknown.
Comment: Available data are insufficient to determine the clinical significance of the variant at this time. The frequency of this variant in the general population is uninformative in assessment of its pathogenicity. Computational tools yielded predictions that this variant is unlikely to have an effect on normal RNA splicing.